The following is an entry in ClinVar:

NM_000135.4(FANCA):c.2461C>T (p.Leu821Phe)

Gene: FANCA (FA complementation group A; minus strand). Cytogenetic location: 16q24.3.
Variant type: single nucleotide variant.
Coding change: c.2461C>T on transcript NM_000135.4 (MANE Select); coding-DNA position 2461, C replaced by T.
Protein change: p.Leu821Phe; replaces leucine 821 with phenylalanine.
Molecular consequence: missense variant.
Genome position (GRCh38, 1-based): chr16:89,769,880, G>A on the plus strand (C>T on the coding strand, the complement: FANCA is on the minus strand). VCF-style: chr16-89769880-G-A. GRCh37 (hg19) VCF-style: chr16-89836288-G-A.
Other names: c.2461C>T, p.Leu821Phe (NM_001286167.3); short protein forms L821F.
Identifiers: ClinVar variation 4254207 (VCV004254207.1).

ClinVar aggregate classification (germline): Uncertain significance (1 of 4 stars; one submission).

Conditions:
Inborn genetic diseases. Identifiers: MedGen C0950123, MeSH D030342.

gnomAD v4.1: 1 of 1,614,156 alleles (0.000062%); highest among the groups gnomAD compares: Non-Finnish European, 0.000085%; no homozygotes.

Submission:

Ambry Genetics
Classification: Uncertain significance for Inborn genetic diseases. Last evaluated: 2025-07-16. Review status: criteria provided, single submitter. Criteria: Ambry Variant Classification Scheme 2023. Collection method: clinical testing. Allele origin: germline.
Comment: The p.L821F variant (also known as c.2461C>T), located in coding exon 26 of the FANCA gene, results from a C to T substitution at nucleotide position 2461. The leucine at codon 821 is replaced by phenylalanine, an amino acid with highly similar properties. This amino acid position is conserved. In addition, the in silico prediction for this alteration is inconclusive. Based on the available evidence, the clinical significance of this variant remains unclear.